The following is an entry in ClinVar:

ClinVar aggregate classification (germline): Pathogenic. Review status: reviewed by expert panel (3 of 4 stars). 7 submissions from 7 submitters: Pathogenic (1). 6 of the submissions do not count toward it. Last evaluated 2026-09-28.

Conditions:
Recombinase activating gene 1 deficiency. Identifiers: MedGen CN375631, MONDO:0000572.
RAG1-related disorder. Also called: RAG1-related condition; RAG1-related disorders.
Combined immunodeficiency with skin granulomas. Identifiers: Orphanet 157949, MedGen C2673536, MONDO:0009306, OMIM 233650.
Severe combined immunodeficiency, autosomal recessive, T cell-negative, B cell-negative, NK cell-positive. Also called: SCID, AR, T-cell negative, B-cell negative, NK cell-positive; Severe combined immunodeficiency due to complete RAG1/2 deficiency; SCID, T CELL-NEGATIVE, B CELL-NEGATIVE, NK CELL-POSITIVE. Identifiers: Orphanet 331206, MedGen C1832322, MONDO:0011086, OMIM 601457.
Severe combined immunodeficiency disease. Also called: Severe combined immunodeficiency; Severe Combined Immune Deficiency. Identifiers: Orphanet 183660, MedGen C0085110, MeSH D016511, MONDO:0015974, HP:0004430. Inheritance: X-Linked or Autosomal recessive.
Histiocytic medullary reticulosis. Also called: SEVERE COMBINED IMMUNODEFICIENCY WITH HYPEREOSINOPHILIA; Omenn syndrome. Identifiers: Orphanet 39041, MedGen C2700553, MONDO:0011338, OMIM 603554.

Allele frequency attached by ClinVar (database versions not stated): gnomAD exomes below 0.00001.
gnomAD v4.1: 8 of 1,614,156 alleles (0.0005%); highest among the groups gnomAD compares: South Asian, 0.0022%; no homozygotes.

Submissions (7):

ClinGen Severe Combined Immunodeficiency Variant Curation Expert Panel, ClinGen
Classification: Pathogenic for Recombinase activating gene 1 deficiency. Last evaluated: 2026-09-28. Review status: reviewed by expert panel. Criteria: ClinGen SCID ACMG Specifications RAG1 V2.2. Collection method: curation. Allele origin: germline. Inheritance: Autosomal recessive inheritance.
Comment: The NM_000448.3(RAG1):c.1677G>T variant in RAG1 is a missense variant predicted to cause substitution of arginine by serine at amino acid 559 (p.Arg559Ser). The total Grpmax filtering allele frequency in gnomAD v4.1.0 is 0.000003650 from the South Asian genetic ancestry group (the lower threshold of the 95% CI of 2/91080 alleles), which is lower than the ClinGen SCID VCEP threshold (<0.00195) for PM2_Supporting, and therefore meets this criterion (PM2_Supporting). This variant resides within the core domain (amino acids 387-1011) of RAG1 that is defined as a mutational hotspot and critical functional domain by the ClinGen SCID VCEP (PM1_Supporting). A VD(J) recombination assay in A-MuLV-transformed pro-B cells showed R559S has only 1% +/-0.4 recombination activity of wild-type RAG1 which is <25% of wild-type activity, indicating that this variant impacts protein function (PMID: 24290284) (PS3_Moderate). This variant has been detected in at least 9 individuals with RAG1 deficiency related SCID. Of those individuals, 7 were compound heterozygous for the variant and a pathogenic or likely pathogenic variant, though the phase was not confirmed for any of the cases (PMID:24418478 had 2 probands, both heterozygous for R559S and Lys86ValfsTer? which is pathogenic (0.5 pts/proband); PMID: 35902638 had 1 proband heterozygous for R474H and R559S, which is classified as likely pathogenic (0.25 pts); PMID: 32655540 had 3 probands, two of which were heterozygous for R559S and Lys86ValfsTer?, while a third was heterozygous for R410W and R559S, all of which have been classified as pathogenic (0.5pts/proband), PMID: 24290284 had 1 scored probands which was heterozygous for M435V which is not classified and R559S (0.25 pts)). 2 individuals born to consanguineous parents were homozygous for the variant (PMID: 19912631 and PMID: 30307608, 1 pt). (4 pts, PM3_VeryStrong). At least one patient with this variant displayed 0.3x10E9 Tcells/L which is <0.5x10^9/L for criteria 1 of typical SCID and 7.7% of CD4+ T cells had naive cell surface markers (CD45RA), which is below the 20% cutoff for criteria 3, meeting the diagnostic criteria for SCID (0.5pts)along with a T-B-NK+ lymphocyte subset profile (0.5 pts), which are highly specific for RAG1 SCID (1 pt, PP4_met). In summary, this variant meets the criteria to be classified as pathogenic for autosomal recessive RAG1 deficiency SCID based on the ACMG/AMP criteria applied, as specified by the ClinGen SCID VCEP: PM3_very-strong, PS3_moderate, PP4_met, PM2_supporting, PM1_supporting (SCID VCEP RAG1 Specifications Version 2.2).

Labcorp Genetics (formerly Invitae), Labcorp
Classification: Pathogenic for Combined immunodeficiency with skin granulomas; Severe combined immunodeficiency, autosomal recessive, T cell-negative, B cell-negative, NK cell-positive. Last evaluated: 2026-02-01. Review status: criteria provided, single submitter. Criteria: Invitae Variant Classification Sherloc (09022015). Collection method: clinical testing. Allele origin: germline. Not counted in ClinVar's aggregate classification.
Comment: This sequence change replaces arginine, which is basic and polar, with serine, which is neutral and polar, at codon 559 of the RAG1 protein (p.Arg559Ser). The frequency data for this variant in the population databases is considered unreliable, as metrics indicate poor data quality at this position in the gnomAD database. This missense change has been observed in individual(s) with Omenn syndrome and/or severe combined immunodeficiency (PMID: 11133745, 11520796, 24290284, 24418478). ClinVar contains an entry for this variant (Variation ID: 68685). Invitae Evidence Modeling of protein sequence and biophysical properties (such as structural, functional, and spatial information, amino acid conservation, physicochemical variation, residue mobility, and thermodynamic stability) has been performed for this missense variant. However, the output from this modeling did not meet the statistical confidence thresholds required to predict the impact of this variant on RAG1 protein function. Experimental studies have shown that this missense change affects RAG1 function (PMID: 24290284). For these reasons, this variant has been classified as Pathogenic.

Genesolutions, Medical Genetics Institutes, Ho Chi Minh City, Vietnam
Classification: Pathogenic for Histiocytic medullary reticulosis. Last evaluated: 2025-09-24. Review status: criteria provided, single submitter. Criteria: ACMG Guidelines, 2015. Collection method: clinical testing. Allele origin: germline. Affected: yes. Not counted in ClinVar's aggregate classification.

Women's Health and Genetics/Laboratory Corporation of America, LabCorp
Classification: Pathogenic for Severe combined immunodeficiency disease. Last evaluated: 2023-04-26. Review status: criteria provided, single submitter. Criteria: LabCorp Variant Classification Summary - May 2015. Collection method: clinical testing. Allele origin: germline. Not counted in ClinVar's aggregate classification.
Comment: Variant summary: RAG1 c.1677G>T (p.Arg559Ser) results in a non-conservative amino acid change in the encoded protein sequence. Five of five in-silico tools predict a damaging effect of the variant on protein function. The variant allele was found at a frequency of 4e-06 in 250910 control chromosomes. c.1677G>T has been reported in the literature in multiple individuals affected with Severe Combined Immunodeficiency Syndrome/Omenn Syndrome (Alsmadi_2009, Kumaki_2001, Lee_2014, Villa_2001). These data indicate that the variant is very likely to be associated with disease. At least one publication reports experimental evidence evaluating an impact on protein function demonstrating that this change affects RAG1 function (Lee_2014). The following publications have been ascertained in the context of this evaluation (PMID: 19912631, 11520796, 24290284, 11133745). Two clinical diagnostic laboratories have submitted clinical-significance assessments for this variant to ClinVar after 2014 and classified the variant as pathogenic. Based on the evidence outlined above, the variant was classified as pathogenic.

Beijing Key Laboratry for Genetics of Birth Defects, Beijing Children's Hospital
Classification: Pathogenic for Severe combined immunodeficiency, autosomal recessive, T cell-negative, B cell-negative, NK cell-positive. Last evaluated: 2020-12-20. Review status: criteria provided, single submitter. Criteria: ACMG Guidelines, 2015. Collection method: clinical testing. Allele origin: germline. Affected: yes. Observed: 1 variant allele. Not counted in ClinVar's aggregate classification.

Blueprint Genetics
Classification: Pathogenic for RAG1-related disorders. Last evaluated: 2020-12-07. Review status: criteria provided, single submitter. Criteria: ACMG Guidelines, 2015. Collection method: clinical testing. Allele origin: germline. Affected: yes. Observed: 1 variant allele. Not counted in ClinVar's aggregate classification.

UniProtKB/Swiss-Prot
No classification provided. Review status: no classification provided. Collection method: not provided. Allele origin: not provided. Not counted in ClinVar's aggregate classification.

Literature cited by the submitters: PubMed 24290284 (cited by 3 submitters); PubMed 11133745 (cited by 3 submitters); PubMed 11520796 (cited by 3 submitters); PubMed 24418478 (cited by Labcorp Genetics (formerly Invitae), Labcorp and Beijing Key Laboratry for Genetics of Birth Defects, Beijing Children's Hospital); PubMed 19912631 (cited by Women's Health and Genetics/Laboratory Corporation of America, LabCorp); PubMed 290284 (cited by Beijing Key Laboratry for Genetics of Birth Defects, Beijing Children's Hospital).

NM_000448.3(RAG1):c.1677G>T (p.Arg559Ser)

Gene: RAG1 (recombination activating 1; plus strand). Cytogenetic location: 11p12.
Variant type: single nucleotide variant.
Coding change: c.1677G>T on transcript NM_000448.3 (MANE Select); coding-DNA position 1677, G replaced by T.
Protein change: p.Arg559Ser; replaces arginine 559 with serine.
Molecular consequence: missense variant.
Genome position (GRCh38, 1-based): chr11:36,574,981, G>T. VCF-style: chr11-36574981-G-T. GRCh37 (hg19) VCF-style: chr11-36596531-G-T.
Other names: NM_000448.3(RAG1):c.1677G>T; c.1677G>T, p.Arg559Ser (NM_001377277.1, NM_001377278.1, NM_001377279.1 and 1 more transcripts); short protein forms R559S.
Identifiers: ClinVar variation 68685 (VCV000068685.13), dbSNP rs199474681, ClinGen allele CA219812.